The following is an entry in ClinVar:

ClinVar aggregate classification (germline): Benign (1 of 4 stars; one submission).

Conditions:
Episodic ataxia type 5. Identifiers: Orphanet 211067, MedGen C1866039, MONDO:0013464, OMIM 613855.

Allele frequency attached by ClinVar (database versions not stated): 1000 Genomes Project 30x 0.00578; gnomAD 0.00629 and 0.00674; 1000 Genomes Project 0.00659; TOPMed 0.00720.

Submission:

Illumina Laboratory Services, Illumina
Classification: Benign for Episodic ataxia type 5. Last evaluated: 2018-01-13. Review status: criteria provided, single submitter. Criteria: ICSL Variant Classification Criteria 13 December 2019. Collection method: clinical testing. Allele origin: germline.
Comment: This variant was observed in the ICSL laboratory as part of a predisposition screen in an ostensibly healthy population. It had not been previously curated by ICSL or reported in the Human Gene Mutation Database (HGMD: prior to June 1st, 2018), and was therefore a candidate for classification through an automated scoring system. Utilizing variant allele frequency, disease prevalence and penetrance estimates, and inheritance mode, an automated score was calculated to assess if this variant is too frequent to cause the disease. Based on the score and internal cut-off values, a variant classified as benign is not then subjected to further curation. The score for this variant resulted in a classification of benign for this disease.

NM_000726.5(CACNB4):c.*1284T>G

Gene: CACNB4 (calcium voltage-gated channel auxiliary subunit beta 4; minus strand). Cytogenetic location: 2q23.3.
Variant type: single nucleotide variant.
Coding change: c.*1284T>G on transcript NM_000726.5 (MANE Select); 1284 bases downstream of the stop codon, T replaced by G.
Molecular consequence: 3 prime UTR variant.
Genome position (GRCh38, 1-based): chr2:151,837,835, A>C on the plus strand (T>G on the coding strand, the complement: CACNB4 is on the minus strand). VCF-style: chr2-151837835-A-C. GRCh37 (hg19) VCF-style: chr2-152694349-A-C.
Other names: c.*1284T>G (NM_001005746.4, NM_001005747.4, NM_001145798.3 and 7 more transcripts).
Identifiers: ClinVar variation 331608 (VCV000331608.6), dbSNP rs112989362, ClinGen allele CA10611031.